The following is an entry in ClinVar:

ClinVar aggregate classification (germline): Benign (1 of 4 stars; one submission).

Allele frequency attached by ClinVar (database versions not stated): 1000 Genomes Project 0.47464; 1000 Genomes Project 30x 0.48376; TOPMed 0.53886.

Submission:

GeneDx
Classification: Benign. Last evaluated: 2019-01-10. Review status: criteria provided, single submitter. Criteria: GeneDx Variant Classification Process June 2021. Collection method: clinical testing. Allele origin: germline. Affected: yes.
Comment: This variant is associated with the following publications: (PMID: 23202125, 29976768)

NM_002569.4(FURIN):c.-159-2262C>A

Gene: FURIN (furin, paired basic amino acid cleaving enzyme; plus strand). Cytogenetic location: 15q26.1.
Variant type: single nucleotide variant.
Coding change: c.-159-2262C>A on transcript NM_002569.4 (MANE Select); 2262 bases into the intron before 159 bases upstream of the start codon, C replaced by A.
Molecular consequence: intron variant.
Genome position (GRCh38, 1-based): chr15:90,873,320, C>A. VCF-style: chr15-90873320-C-A. GRCh37 (hg19) VCF-style: chr15-91416550-C-A.
Other names: c.-159-2262C>A (NM_001382622.1); c.-160+2170C>A (NM_001382619.1); c.-160+1715C>A (NM_001289823.2); c.-160+1094C>A (NM_001382620.1); c.-160+222C>A (NM_001289824.2); c.-160+247C>A (NM_001382621.1).
Identifiers: ClinVar variation 1265365 (VCV001265365.2), dbSNP rs17514846, ClinGen allele CA14110610.